The following is an entry in ClinVar:

ClinVar aggregate classification (germline): Uncertain significance. Review status: criteria provided, multiple submitters, no conflicts (2 of 4 stars). 2 submissions from 2 submitters: Uncertain significance (2). Last evaluated 2022-02-18.

Conditions:
Xanthinuria type II. Also called: Xanthine dehydrogenase and aldehyde oxidase combined deficiency of; XDH and AOX dual deficiency. Identifiers: Orphanet 3467, Orphanet 93602, MedGen C1863688, MONDO:0011346, OMIM 603592.
Hereditary xanthinuria type 1 (XAN1). Identifiers: Orphanet 3467, Orphanet 93601, MedGen C0268118, MONDO:0010209, OMIM 278300.

Allele frequency attached by ClinVar (database versions not stated): gnomAD exomes 0.00001; TOPMed 0.00001; ExAC 0.00002; gnomAD 0.00002.
gnomAD v4.1: 19 of 1,614,052 alleles (0.0012%); highest among the groups gnomAD compares: Admixed American, 0.0067%; no homozygotes.

Submissions (2):

Fulgent Genetics
Classification: Uncertain significance for Hereditary xanthinuria type 1. Last evaluated: 2022-02-18. Review status: criteria provided, single submitter. Criteria: ACMG Guidelines, 2015. Collection method: clinical testing. Allele origin: unknown.

Labcorp Genetics (formerly Invitae), Labcorp
Classification: Uncertain significance for Xanthinuria type II. Last evaluated: 2021-02-13. Review status: criteria provided, single submitter. Criteria: Invitae Variant Classification Sherloc (09022015). Collection method: clinical testing. Allele origin: germline.
Comment: In summary, the available evidence is currently insufficient to determine the role of this variant in disease. Therefore, it has been classified as a Variant of Uncertain Significance. Algorithms developed to predict the effect of missense changes on protein structure and function (SIFT, PolyPhen-2, Align-GVGD) all suggest that this variant is likely to be disruptive, but these predictions have not been confirmed by published functional studies and their clinical significance is uncertain. This variant has not been reported in the literature in individuals with XDH-related conditions. This variant is present in population databases (rs778513905, ExAC 0.01%). This sequence change replaces arginine with tryptophan at codon 508 of the XDH protein (p.Arg508Trp). The arginine residue is highly conserved and there is a moderate physicochemical difference between arginine and tryptophan.

NM_000379.4(XDH):c.1522C>T (p.Arg508Trp)

Gene: XDH (xanthine dehydrogenase; minus strand). Cytogenetic location: 2p23.1.
Variant type: single nucleotide variant.
Coding change: c.1522C>T on transcript NM_000379.4 (MANE Select); coding-DNA position 1522, C replaced by T.
Protein change: p.Arg508Trp; replaces arginine 508 with tryptophan.
Molecular consequence: missense variant.
Genome position (GRCh38, 1-based): chr2:31,375,460, G>A on the plus strand (C>T on the coding strand, the complement: XDH is on the minus strand). VCF-style: chr2-31375460-G-A. GRCh37 (hg19) VCF-style: chr2-31598326-G-A.
Other names: short protein forms R508W.
Identifiers: ClinVar variation 1497216 (VCV001497216.9), dbSNP rs778513905, ClinGen allele CA1599206.